The following is an entry in ClinVar:

NM_001927.4(DES):c.353_354delinsTT (p.Arg118Leu)

Gene: DES (desmin; plus strand). Cytogenetic location: 2q35.
Variant type: Indel.
Coding change: c.353_354delinsTT on transcript NM_001927.4 (MANE Select); coding-DNA positions 353 to 354, GC replaced by TT.
Protein change: p.Arg118Leu; replaces arginine 118 with leucine.
Molecular consequence: missense variant.
Genome position (GRCh38, 1-based): chr2:219,418,815-219,418,816, GC replaced by TT. VCF-style: chr2-219418815-GC-TT. GRCh37 (hg19) VCF-style: chr2-220283537-GC-TT.
Other names: c.353_354delinsTT, p.Arg118Leu (NM_001382708.1, NM_001382709.1, NM_001382710.1 and 3 more transcripts); short protein forms R118L.
Identifiers: ClinVar variation 4784982 (VCV004784982.1).

ClinVar aggregate classification (germline): Uncertain significance (1 of 4 stars; one submission).

Conditions:
Desmin-related myofibrillar myopathy (MFM1). Also called: Desminopathy; Desmin related myopathy (former name); Desmin storage myopathy (former name); MYOFIBRILLAR MYOPATHY WITH ARRHYTHMOGENIC RIGHT VENTRICULAR CARDIOMYOPATHY; DESMIN-RELATED MYOPATHY WITH ARRHYTHMOGENIC RIGHT VENTRICULAR CARDIOMYOPATHY; Myofibrillar myopathy 1. Identifiers: Orphanet 363543, Orphanet 98909, MedGen C1832370, MONDO:0011076, OMIM 601419.

Submission:

Labcorp Genetics (formerly Invitae), Labcorp
Classification: Uncertain significance for Desmin-related myofibrillar myopathy. Last evaluated: 2025-05-12. Review status: criteria provided, single submitter. Criteria: Invitae Variant Classification Sherloc (09022015). Collection method: clinical testing. Allele origin: germline.
Comment: This sequence change replaces arginine, which is basic and polar, with leucine, which is neutral and non-polar, at codon 118 of the DES protein (p.Arg118Leu). Information on the frequency of this variant in the gnomAD database is not available, as this variant may be reported differently in the database. This variant has not been reported in the literature in individuals affected with DES-related conditions. An algorithm developed to predict the effect of missense changes on protein structure and function (PolyPhen-2) suggests that this variant is likely to be disruptive. In summary, the available evidence is currently insufficient to determine the role of this variant in disease. Therefore, it has been classified as a Variant of Uncertain Significance.